The following is an entry in ClinVar:

NM_172362.3(KCNH1):c.1672A>G (p.Ile558Val)

Gene: KCNH1 (potassium voltage-gated channel subfamily H member 1; minus strand). Cytogenetic location: 1q32.2.
Variant type: single nucleotide variant.
Coding change: c.1672A>G on transcript NM_172362.3 (MANE Select); coding-DNA position 1672, A replaced by G.
Protein change: p.Ile558Val; replaces isoleucine 558 with valine.
Molecular consequence: missense variant.
Genome position (GRCh38, 1-based): chr1:210,797,751, T>C on the plus strand (A>G on the coding strand, the complement: KCNH1 is on the minus strand). VCF-style: chr1-210797751-T-C. GRCh37 (hg19) VCF-style: chr1-210971093-T-C.
Other names: c.1591A>G, p.Ile531Val (NM_002238.4); short protein forms I531V, I558V.
Identifiers: ClinVar variation 1180372 (VCV001180372.2), dbSNP rs755627536, ClinGen allele CA344872873.

ClinVar aggregate classification (germline): Uncertain significance (1 of 4 stars; one submission).

Allele frequency attached by ClinVar (database versions not stated): gnomAD exomes below 0.00001.
gnomAD v4.1: 6 of 1,611,992 alleles (0.00037%); highest among the groups gnomAD compares: Non-Finnish European, 0.00034%; no homozygotes.

Submission:

GeneDx
Classification: Uncertain significance. Last evaluated: 2019-06-25. Review status: criteria provided, single submitter. Criteria: GeneDx Variant Classification Process June 2021. Collection method: clinical testing. Allele origin: germline. Affected: yes.
Comment: Not observed in large population cohorts (Lek et al., 2016); In silico analysis, which includes protein predictors and evolutionary conservation, supports that this variant does not alter protein structure/function; Has not been previously published as pathogenic or benign to our knowledge